The following is an entry in ClinVar:

NM_001170700.3(DTHD1):c.1154A>G (p.Asp385Gly)

Gene: DTHD1 (death domain containing 1; plus strand). Cytogenetic location: 4p14.
Variant type: single nucleotide variant.
Coding change: c.1154A>G on transcript NM_001170700.3 (MANE Select); coding-DNA position 1154, A replaced by G.
Protein change: p.Asp385Gly; replaces aspartic acid 385 with glycine.
Molecular consequence: missense variant. On other transcripts: non-coding transcript variant (2).
Genome position (GRCh38, 1-based): chr4:36,290,639, A>G. VCF-style: chr4-36290639-A-G. GRCh37 (hg19) VCF-style: chr4-36292261-A-G.
Other names: c.284A>G, p.Asp95Gly (NM_001136536.5, NM_001378435.1); short protein forms D95G, D385G.
Identifiers: ClinVar variation 959139 (VCV000959139.9), dbSNP rs1274655498, ClinGen allele CA356679160.

ClinVar aggregate classification (germline): Uncertain significance (1 of 4 stars; one submission).

Allele frequency attached by ClinVar (database versions not stated): gnomAD exomes 0.00002 and 0.00003.
gnomAD v4.1: 13 of 1,548,386 alleles (0.00084%); highest among the groups gnomAD compares: South Asian, 0.015%; no homozygotes.

Submission:

Labcorp Genetics (formerly Invitae), Labcorp
Classification: Uncertain significance. Last evaluated: 2023-07-21. Review status: criteria provided, single submitter. Criteria: Invitae Variant Classification Sherloc (09022015). Collection method: clinical testing. Allele origin: germline.
Comment: In summary, the available evidence is currently insufficient to determine the role of this variant in disease. Therefore, it has been classified as a Variant of Uncertain Significance. An algorithm developed to predict the effect of missense changes on protein structure and function (PolyPhen-2) suggests that this variant is likely to be disruptive. ClinVar contains an entry for this variant (Variation ID: 959139). This variant has not been reported in the literature in individuals affected with DTHD1-related conditions. This variant is present in population databases (no rsID available, gnomAD 0.02%). This sequence change replaces aspartic acid, which is acidic and polar, with glycine, which is neutral and non-polar, at codon 95 of the DTHD1 protein (p.Asp95Gly).